The following is an entry in ClinVar:

NM_021267.5(CERS1):c.725T>C (p.Leu242Ser)

Genes: CERS1 (ceramide synthase 1; minus strand), GDF1 (growth differentiation factor 1; minus strand). Cytogenetic location: 19p13.11.
Variant type: single nucleotide variant.
Coding change: c.725T>C on transcript NM_021267.5 (MANE Select); coding-DNA position 725, T replaced by C.
Protein change: p.Leu242Ser; replaces leucine 242 with serine.
Molecular consequence: missense variant. On other transcripts: 5 prime UTR variant (1), intron variant (1).
Genome position (GRCh38, 1-based): chr19:18,880,301, A>G on the plus strand (T>C on the coding strand, the complement: CERS1 is on the minus strand). VCF-style: chr19-18880301-A-G. GRCh37 (hg19) VCF-style: chr19-18991110-A-G.
Other names: c.725T>C, p.Leu242Ser (NM_001387439.1, NM_001387440.1, NM_198207.3); c.680T>C, p.Leu227Ser (NM_001387441.1); c.431T>C, p.Leu144Ser (NM_001387442.1, NM_001387443.1, NM_001387444.1 and 2 more transcripts); c.-598T>C (NM_001492.6); c.-313+3786T>C (NM_001387438.1); short protein forms L144S, L227S, L242S.
Identifiers: ClinVar variation 1487462 (VCV001487462.8), dbSNP rs1601165243, ClinGen allele CA404866116.

ClinVar aggregate classification (germline): Uncertain significance (1 of 4 stars; one submission).

Conditions:
Progressive myoclonic epilepsy type 8. Identifiers: Orphanet 424027, MedGen C5190825, MONDO:0014545, OMIM 616230.

Submission:

Labcorp Genetics (formerly Invitae), Labcorp
Classification: Uncertain significance for Progressive myoclonic epilepsy type 8. Last evaluated: 2023-08-24. Review status: criteria provided, single submitter. Criteria: Invitae Variant Classification Sherloc (09022015). Collection method: clinical testing. Allele origin: germline.
Comment: ClinVar contains an entry for this variant (Variation ID: 1487462). This sequence change replaces leucine, which is neutral and non-polar, with serine, which is neutral and polar, at codon 242 of the CERS1 protein (p.Leu242Ser). This variant is not present in population databases (gnomAD no frequency). This variant has not been reported in the literature in individuals affected with CERS1-related conditions. Advanced modeling of protein sequence and biophysical properties (such as structural, functional, and spatial information, amino acid conservation, physicochemical variation, residue mobility, and thermodynamic stability) performed at Invitae indicates that this missense variant is not expected to disrupt CERS1 protein function. In summary, the available evidence is currently insufficient to determine the role of this variant in disease. Therefore, it has been classified as a Variant of Uncertain Significance.